The following is an entry in ClinVar:

NM_000361.3(THBD):c.121G>A (p.Gly41Ser)

Gene: THBD (thrombomodulin; minus strand). Cytogenetic location: 20p11.21.
Variant type: single nucleotide variant.
Coding change: c.121G>A on transcript NM_000361.3 (MANE Select); coding-DNA position 121, G replaced by A.
Protein change: p.Gly41Ser; replaces glycine 41 with serine.
Molecular consequence: missense variant.
Genome position (GRCh38, 1-based): chr20:23,049,384, C>T on the plus strand (G>A on the coding strand, the complement: THBD is on the minus strand). VCF-style: chr20-23049384-C-T. GRCh37 (hg19) VCF-style: chr20-23030021-C-T.
Other names: short protein forms G41S.
Identifiers: ClinVar variation 1913244 (VCV001913244.5), dbSNP rs2515205968, ClinGen allele CA408408336.

ClinVar aggregate classification (germline): Uncertain significance (1 of 4 stars; one submission).

Submission:

Labcorp Genetics (formerly Invitae), Labcorp
Classification: Uncertain significance. Last evaluated: 2025-07-22. Review status: criteria provided, single submitter. Criteria: Invitae Variant Classification Sherloc (09022015). Collection method: clinical testing. Allele origin: germline.
Comment: This sequence change replaces glycine, which is neutral and non-polar, with serine, which is neutral and polar, at codon 41 of the THBD protein (p.Gly41Ser). This variant is not present in population databases (gnomAD no frequency). This variant has not been reported in the literature in individuals affected with THBD-related conditions. ClinVar contains an entry for this variant (Variation ID: 1913244). Invitae Evidence Modeling of protein sequence and biophysical properties (such as structural, functional, and spatial information, amino acid conservation, physicochemical variation, residue mobility, and thermodynamic stability) indicates that this missense variant is not expected to disrupt THBD protein function with a negative predictive value of 80%. In summary, the available evidence is currently insufficient to determine the role of this variant in disease. Therefore, it has been classified as a Variant of Uncertain Significance.